The following is an entry in ClinVar:

NM_000027.4(AGA):c.14C>T (p.Ser5Leu)

Gene: AGA (aspartylglucosaminidase; minus strand). Cytogenetic location: 4q34.3.
Variant type: single nucleotide variant.
Coding change: c.14C>T on transcript NM_000027.4 (MANE Select); coding-DNA position 14, C replaced by T.
Protein change: p.Ser5Leu; replaces serine 5 with leucine.
Molecular consequence: missense variant. On other transcripts: non-coding transcript variant (1).
Genome position (GRCh38, 1-based): chr4:177,442,362, G>A on the plus strand (C>T on the coding strand, the complement: AGA is on the minus strand). VCF-style: chr4-177442362-G-A. GRCh37 (hg19) VCF-style: chr4-178363516-G-A.
Other names: c.14C>T, p.Ser5Leu (NM_001171988.2); short protein forms S5L.
Identifiers: ClinVar variation 2164809 (VCV002164809.1), dbSNP rs749352651, ClinGen allele CA3147083.

ClinVar aggregate classification (germline): Uncertain significance (1 of 4 stars; one submission).

Conditions:
Aspartylglucosaminuria (AGU). Also called: Aspartylglucos-aminuria; Aspartylglucos-amidase (AGA) deficiency; AGA DEFICIENCY; GLYCOASPARAGINASE; GLYCOSYLASPARAGINASE DEFICIENCY. Identifiers: Orphanet 93, MedGen C0268225, MONDO:0008830, OMIM 208400, HP:0012068.

Allele frequency attached by ClinVar (database versions not stated): ExAC 0.00001.

Submission:

Labcorp Genetics (formerly Invitae), Labcorp
Classification: Uncertain significance for Aspartylglucosaminuria. Last evaluated: 2022-08-12. Review status: criteria provided, single submitter. Criteria: Invitae Variant Classification Sherloc (09022015). Collection method: clinical testing. Allele origin: germline.
Comment: This sequence change replaces serine, which is neutral and polar, with leucine, which is neutral and non-polar, at codon 5 of the AGA protein (p.Ser5Leu). This variant is present in population databases (rs749352651, gnomAD 0.003%). This variant has not been reported in the literature in individuals affected with AGA-related conditions. Algorithms developed to predict the effect of missense changes on protein structure and function output the following: SIFT: "Tolerated"; PolyPhen-2: "Benign"; Align-GVGD: "Class C0". The leucine amino acid residue is found in multiple mammalian species, which suggests that this missense change does not adversely affect protein function. In summary, the available evidence is currently insufficient to determine the role of this variant in disease. Therefore, it has been classified as a Variant of Uncertain Significance.